The following is an entry in ClinVar:

ClinVar aggregate classification (germline): Uncertain significance. Review status: criteria provided, multiple submitters, no conflicts (2 of 4 stars). 3 submissions from 3 submitters: Uncertain significance (3). Last evaluated 2022-09-20.

Conditions:
Inborn genetic diseases. Identifiers: MedGen C0950123, MeSH D030342.

Allele frequency attached by ClinVar (database versions not stated): gnomAD exomes 0.00002 and 0.00003; ExAC 0.00003; gnomAD 0.00005 and 0.00006; ESP Exome Variant Server 0.00008; TOPMed 0.00009.
gnomAD v4.1: 50 of 1,613,732 alleles (0.0031%); highest among the groups gnomAD compares: African/African-American, 0.013%; no homozygotes.

Submissions (3):

Blueprint Genetics
Classification: Uncertain significance. Last evaluated: 2022-09-20. Review status: criteria provided, single submitter. Criteria: ACMG Guidelines, 2015. Collection method: clinical testing. Allele origin: germline.

Labcorp Genetics (formerly Invitae), Labcorp
Classification: Uncertain significance. Last evaluated: 2022-08-21. Review status: criteria provided, single submitter. Criteria: Invitae Variant Classification Sherloc (09022015). Collection method: clinical testing. Allele origin: germline.
Comment: This sequence change replaces arginine, which is basic and polar, with glutamine, which is neutral and polar, at codon 421 of the OCA2 protein (p.Arg421Gln). This variant is present in population databases (rs369322694, gnomAD 0.008%). This variant has not been reported in the literature in individuals affected with OCA2-related conditions. ClinVar contains an entry for this variant (Variation ID: 1434955). Advanced modeling of protein sequence and biophysical properties (such as structural, functional, and spatial information, amino acid conservation, physicochemical variation, residue mobility, and thermodynamic stability) performed at Invitae indicates that this missense variant is not expected to disrupt OCA2 protein function. Algorithms developed to predict the effect of sequence changes on RNA splicing suggest that this variant may create or strengthen a splice site. This variant disrupts the p.Arg421 amino acid residue in OCA2. Other variant(s) that disrupt this residue have been observed in individuals with OCA2-related conditions (PMID: 29345414, 31077556), which suggests that this may be a clinically significant amino acid residue. In summary, the available evidence is currently insufficient to determine the role of this variant in disease. Therefore, it has been classified as a Variant of Uncertain Significance.

Ambry Genetics
Classification: Uncertain significance for Inborn genetic diseases. Last evaluated: 2022-06-03. Review status: criteria provided, single submitter. Criteria: Ambry Variant Classification Scheme 2023. Collection method: clinical testing. Allele origin: germline.

Literature cited by the submitters: PubMed 29345414 (cited by Labcorp Genetics (formerly Invitae), Labcorp); PubMed 31077556 (cited by Labcorp Genetics (formerly Invitae), Labcorp).

NM_000275.3(OCA2):c.1262G>A (p.Arg421Gln)

Gene: OCA2 (OCA2 melanosomal transmembrane protein; minus strand). Cytogenetic location: 15q13.1.
Variant type: single nucleotide variant.
Coding change: c.1262G>A on transcript NM_000275.3 (MANE Select); coding-DNA position 1262, G replaced by A.
Protein change: p.Arg421Gln; replaces arginine 421 with glutamine.
Molecular consequence: missense variant.
Genome position (GRCh38, 1-based): chr15:27,985,166, C>T on the plus strand (G>A on the coding strand, the complement: OCA2 is on the minus strand). VCF-style: chr15-27985166-C-T. GRCh37 (hg19) VCF-style: chr15-28230312-C-T.
Other names: c.1262G>A (NM_000275.2); c.1190G>A, p.Arg397Gln (NM_001300984.2); short protein forms R397Q, R421Q.
Identifiers: ClinVar variation 1434955 (VCV001434955.7), dbSNP rs369322694, ClinGen allele CA7439101.